The following is an entry in ClinVar:

NM_000089.4(COL1A2):c.2425C>T (p.Pro809Ser)

Gene: COL1A2 (collagen type I alpha 2 chain; plus strand). Cytogenetic location: 7q21.3.
Variant type: single nucleotide variant.
Coding change: c.2425C>T on transcript NM_000089.4 (MANE Select); coding-DNA position 2425, C replaced by T.
Protein change: p.Pro809Ser; replaces proline 809 with serine.
Molecular consequence: missense variant.
Genome position (GRCh38, 1-based): chr7:94,422,978, C>T. VCF-style: chr7-94422978-C-T. GRCh37 (hg19) VCF-style: chr7-94052290-C-T.
Other names: p.Pro809Ser; short protein forms P809S.
Identifiers: ClinVar variation 431901 (VCV000431901.107), dbSNP rs145355907, ClinGen allele CA4347447.

ClinVar aggregate classification (germline): Conflicting classifications of pathogenicity. Review status: criteria provided, conflicting classifications (1 of 4 stars). 16 submissions from 15 submitters: Uncertain significance (7); Benign (1); Likely benign (8). Last evaluated 2026-01-22.

Conditions:
Predisposition to dissection.
Ehlers-Danlos syndrome, classic type, 1 (EDSCL1). Also called: EDS I; Ehlers-Danlos Syndrome, Classic Type, COL5A1-Related; Ehlers-Danlos syndrome, type 1; EHLERS-DANLOS SYNDROME, GRAVIS TYPE; EHLERS-DANLOS SYNDROME, SEVERE CLASSIC TYPE. Identifiers: MedGen C0268335, MONDO:0019567, OMIM 130000.
Osteogenesis imperfecta type I (OI1). Also called: Osteogenesis imperfecta type 1; Lobstein's Disease; OI, TYPE I; OSTEOGENESIS IMPERFECTA TARDA; OSTEOGENESIS IMPERFECTA WITH BLUE SCLERAE; Lobstein disease. Identifiers: Orphanet 216796, Orphanet 666, MedGen C0023931, MONDO:0008146, OMIM 166200. Disease mechanism: loss of function.
Connective tissue disorder. Also called: Connective tissue disease. Identifiers: MedGen C0009782, MONDO:0003900.
Cardiovascular phenotype. Identifiers: MedGen CN230736.
COL1A2-related disorder. Also called: COL1A2-Related Disorders; COL1A2-related condition.
Ehlers-Danlos syndrome, arthrochalasia type, 2. Also called: EHLERS-DANLOS SYNDROME, TYPE VIIB, AUTOSOMAL DOMINANT. Identifiers: MedGen CN293783, MONDO:0040501, OMIM 617821.
Osteogenesis imperfecta (OI). Identifiers: Orphanet 666, MedGen C0029434, MeSH D010013, MONDO:0019019.

Allele frequency attached by ClinVar (database versions not stated): ESP Exome Variant Server 0.00015; gnomAD exomes 0.00021; ExAC 0.00022; gnomAD 0.00029 and 0.00032; TOPMed 0.00029.
gnomAD v4.1: 351 of 1,613,946 alleles (0.022%); highest among the groups gnomAD compares: Non-Finnish European, 0.023%; no homozygotes.

Submissions (16):

Labcorp Genetics (formerly Invitae), Labcorp
Classification: Likely benign for Osteogenesis imperfecta type I; Ehlers-Danlos syndrome, classic type, 1. Last evaluated: 2026-01-22. Review status: criteria provided, single submitter. Criteria: Invitae Variant Classification Sherloc (09022015). Collection method: clinical testing. Allele origin: germline.

Mayo Clinic Laboratories, Mayo Clinic
Classification: Uncertain significance. Last evaluated: 2025-09-30. Review status: criteria provided, single submitter. Criteria: ACMG Guidelines, 2015. Collection method: clinical testing. Allele origin: germline. Observed: 2 variant alleles.
Comment: BS1

Laboratory of Genetics, Children's Clinical University Hospital Latvia
Classification: Likely benign. Last evaluated: 2025-02-16. Review status: criteria provided, single submitter. Criteria: ACMG Guidelines, 2015. Collection method: clinical testing. Allele origin: germline. Affected: yes.

PreventionGenetics, part of Exact Sciences
Classification: Likely benign for COL1A2-related condition. Last evaluated: 2025-01-28. Review status: criteria provided, single submitter. Criteria: ACMG Guidelines, 2015. Collection method: clinical testing. Allele origin: germline.
Comment: This variant is classified as likely benign based on ACMG/AMP sequence variant interpretation guidelines (Richards et al. 2015 PMID: 25741868, with internal and published modifications).

Women's Health and Genetics/Laboratory Corporation of America, LabCorp
Classification: Likely benign. Last evaluated: 2024-12-23. Review status: criteria provided, single submitter. Criteria: LabCorp Variant Classification Summary - May 2015. Collection method: clinical testing. Allele origin: germline.
Comment: Variant summary: COL1A2 c.2425C>T (p.Pro809Ser) results in a non-conservative amino acid change in the encoded protein sequence. Three of five in-silico tools predict a damaging effect of the variant on protein function. The variant allele was found at a frequency of 0.00021 in 251462 control chromosomes, predominantly at a frequency of 0.00033 within the Non-Finnish European subpopulation in the gnomAD database. The observed variant frequency within Non-Finnish European control individuals in the gnomAD database is approximately 12 fold of the estimated maximal expected allele frequency for a pathogenic variant in COL1A2 causing Osteogenesis Imperfecta phenotype (2.8e-05). To our knowledge, no occurrence of c.2425C>T in individuals affected with Osteogenesis Imperfecta and no experimental evidence demonstrating its impact on protein function have been reported. ClinVar contains an entry for this variant (Variation ID: 431901). Based on the evidence outlined above, the variant was classified as likely benign.

Blueprint Genetics
Classification: Likely benign. Last evaluated: 2024-11-17. Review status: criteria provided, single submitter. Criteria: ACMG Guidelines, 2015. Collection method: clinical testing. Allele origin: germline.

CeGaT Center for Human Genetics Tuebingen
Classification: Uncertain significance. Last evaluated: 2023-11-01. Review status: criteria provided, single submitter. Criteria: CeGaT Center For Human Genetics Tuebingen Variant Classification Criteria Version 2. Collection method: clinical testing. Allele origin: germline. Affected: yes. Observed: 2 variant alleles.
Comment: COL1A2: PM1

ARUP Laboratories, Molecular Genetics and Genomics, ARUP Laboratories
Classification: Likely benign. Last evaluated: 2023-10-13. Review status: criteria provided, single submitter. Criteria: ARUP Molecular Germline Variant Investigation Process 2024. Collection method: clinical testing. Allele origin: germline.

Ambry Genetics
Classification: Likely benign for Cardiovascular phenotype. Last evaluated: 2023-02-09. Review status: criteria provided, single submitter. Criteria: Ambry Variant Classification Scheme 2023. Collection method: clinical testing. Allele origin: germline.

Genome Diagnostics Laboratory, The Hospital for Sick Children
Classification: Uncertain significance for Osteogenesis imperfecta. Last evaluated: 2019-06-01. Review status: criteria provided, single submitter. Criteria: ACMG Guidelines, 2015. Collection method: clinical testing. Allele origin: germline.

Revvity Omics, Revvity
Classification: Uncertain significance. Last evaluated: 2019-05-04. Review status: criteria provided, single submitter. Criteria: ACMG Guidelines, 2015. Collection method: clinical testing. Allele origin: germline.

Undiagnosed Diseases Network, NIH
Classification: Uncertain significance for Predisposition to dissection. Last evaluated: 2019-03-22. Review status: criteria provided, single submitter. Criteria: ACMG Guidelines, 2015. Collection method: clinical testing. Allele origin: unknown. Inheritance: Other: digenic. Affected: yes. Observed: 1 variant allele, 1 heterozygote. Study: Undiagnosed Diseases Network (NIH), UDN.

Center for Human Genetics, Inc
Classification: Uncertain significance for Connective tissue disorder. Last evaluated: 2018-06-01. Review status: criteria provided, single submitter. Criteria: ACMG Guidelines, 2015. Collection method: clinical testing. Allele origin: germline. Affected: yes.

Illumina Laboratory Services, Illumina
Classification: Benign for Ehlers-Danlos syndrome, arthrochalasia type, 2. Last evaluated: 2018-01-12. Review status: criteria provided, single submitter. Criteria: ICSL Variant Classification Criteria 13 December 2019. Collection method: clinical testing. Allele origin: germline.
Comment: This variant was observed in the ICSL laboratory as part of a predisposition screen in an ostensibly healthy population. It had not been previously curated by ICSL or reported in the Human Gene Mutation Database (HGMD: prior to June 1st, 2018), and was therefore a candidate for classification through an automated scoring system. Utilizing variant allele frequency, disease prevalence and penetrance estimates, and inheritance mode, an automated score was calculated to assess if this variant is too frequent to cause the disease. Based on the score and internal cut-off values, a variant classified as benign is not then subjected to further curation. The score for this variant resulted in a classification of benign for this disease.

Illumina Laboratory Services, Illumina
Classification: Likely benign for Osteogenesis imperfecta. Last evaluated: 2018-01-12. Review status: criteria provided, single submitter. Criteria: ICSL Variant Classification Criteria 13 December 2019. Collection method: clinical testing. Allele origin: germline.
Comment: This variant was observed in the ICSL laboratory as part of a predisposition screen in an ostensibly healthy population. It had not been previously curated by ICSL or reported in the Human Gene Mutation Database (HGMD: prior to June 1st, 2018), and was therefore a candidate for classification through an automated scoring system. Utilizing variant allele frequency, disease prevalence and penetrance estimates, and inheritance mode, an automated score was calculated to assess if this variant is too frequent to cause the disease. Based on the score and internal cut-off values, a variant classified as likely benign is not then subjected to further curation. The score for this variant resulted in a classification of likely benign for this disease.

GeneDx
Classification: Uncertain significance. Last evaluated: 2017-12-21. Review status: criteria provided, single submitter. Criteria: GeneDx Variant Classification (06012015). Collection method: clinical testing. Allele origin: germline. Affected: yes.
Comment: A variant of uncertain significance has been identified in the COL1A2 gene. The P809S variant has not been published as pathogenic or been reported as benign to our knowledge. This variant is observed in 27/66740 (0.04%) alleles from individuals of European ancestry in the Exome Aggregation Consortium (ExAC) dataset (Lek et al., 2016; Exome Variant Server). The P809S variant is a non-conservative amino acid substitution, which is likely to impact secondary protein structure as these residues differ in polarity, charge, size and/or other properties. This substitution occurs at a position that is conserved in mammals. In silico analysis predicts this variant is probably damaging to the protein structure/function. However, this variant lacks observation in a significant number of affected individuals, segregation data, and functional evidence, which would further clarify its pathogenicity.

Literature cited by the submitters: PubMed 34317605 (cited by Mayo Clinic Laboratories, Mayo Clinic and Ambry Genetics).